The following is an entry in ClinVar:

NM_170606.3(KMT2C):c.7364A>G (p.Tyr2455Cys)

Gene: KMT2C (lysine methyltransferase 2C; minus strand). Cytogenetic location: 7q36.1.
Variant type: single nucleotide variant.
Coding change: c.7364A>G on transcript NM_170606.3 (MANE Select); coding-DNA position 7364, A replaced by G.
Protein change: p.Tyr2455Cys; replaces tyrosine 2455 with cysteine.
Molecular consequence: missense variant.
Genome position (GRCh38, 1-based): chr7:152,179,912, T>C on the plus strand (A>G on the coding strand, the complement: KMT2C is on the minus strand). VCF-style: chr7-152179912-T-C. GRCh37 (hg19) VCF-style: chr7-151876997-T-C.
Other names: short protein forms Y2455C.
Identifiers: ClinVar variation 3363945 (VCV003363945.1).

ClinVar aggregate classification (germline): Uncertain significance (1 of 4 stars; one submission).

gnomAD v4.1: 1 of 1,614,068 alleles (0.000062%); highest among the groups gnomAD compares: Non-Finnish European, 0.000085%; no homozygotes.

Submission:

GeneDx
Classification: Uncertain significance. Last evaluated: 2023-11-08. Review status: criteria provided, single submitter. Criteria: GeneDx Variant Classification Process June 2021. Collection method: clinical testing. Allele origin: germline. Affected: yes.
Comment: Not observed at significant frequency in large population cohorts (gnomAD); In silico analysis supports that this missense variant has a deleterious effect on protein structure/function; Has not been previously published as pathogenic or benign to our knowledge